The following is an entry in ClinVar:

ClinVar aggregate classification (germline): Pathogenic (1 of 4 stars; one submission).

Conditions:
Mitochondrial trifunctional protein deficiency. Identifiers: Orphanet 746, MedGen C1969443, MONDO:0012172.

Submission:

Labcorp Genetics (formerly Invitae), Labcorp
Classification: Pathogenic for Mitochondrial trifunctional protein deficiency. Last evaluated: 2024-09-16. Review status: criteria provided, single submitter. Criteria: Invitae Variant Classification Sherloc (09022015). Collection method: clinical testing. Allele origin: germline.
Comment: This sequence change creates a premature translational stop signal (p.Ala153Valfs*7) in the HADHB gene. It is expected to result in an absent or disrupted protein product. Loss-of-function variants in HADHB are known to be pathogenic (PMID: 9259266, 12754706). This variant is not present in population databases (gnomAD no frequency). This variant has not been reported in the literature in individuals affected with HADHB-related conditions. For these reasons, this variant has been classified as Pathogenic.

Literature cited by the submitters: PubMed 9259266; PubMed 12754706.

NM_000183.3(HADHB):c.458del (p.Ala153fs)

Gene: HADHB (hydroxyacyl-CoA dehydrogenase trifunctional multienzyme complex subunit beta; plus strand). Cytogenetic location: 2p23.3.
Variant type: Deletion.
Coding change: c.458del on transcript NM_000183.3 (MANE Select); coding-DNA position 458, one base deleted (C; older notation c.458delC).
Protein change: p.Ala153fs; shifts the reading frame from alanine 153.
Molecular consequence: frameshift variant.
Genome position (GRCh38, 1-based): chr2:26,278,629, C deleted. VCF-style (leftmost placement, unchanged base first): chr2-26278628-GC-G. GRCh37 (hg19) VCF-style: chr2-26501496-GC-G.
Other names: c.413del, p.Ala138fs (NM_001281512.2); c.392del, p.Ala131fs (NM_001281513.2); short protein forms A131fs, A138fs, A153fs.
Identifiers: ClinVar variation 3687966 (VCV003687966.2).
Genomic context (GRCh38, chr2:26,278,628, plus strand): 5'-TATTTTCTGTAAAAGATATTCATGAAGTATAACCTGTGCCCTGTAGGTGTTGGCTTGATT[GC>G]TTCTGGCCAGTGTGATGTGATCGTGGCAGGTGGTGTTGAGTTGATGTCCGATGTCCCTAT-3'